The following is an entry in ClinVar:

ClinVar aggregate classification (germline): Uncertain significance (1 of 4 stars; one submission).

gnomAD v4.1: 2 of 1,613,064 alleles (0.00012%); highest among the groups gnomAD compares: African/African-American, 0.0027%; no homozygotes.

Submission:

GeneDx
Classification: Uncertain significance. Last evaluated: 2023-12-31. Review status: criteria provided, single submitter. Criteria: GeneDx Variant Classification Process June 2021. Collection method: clinical testing. Allele origin: germline. Affected: yes.
Comment: In silico analysis supports that this missense variant has a deleterious effect on protein structure/function; Has not been previously published as pathogenic or benign to our knowledge

NM_000180.4(GUCY2D):c.1920G>C (p.Trp640Cys)

Gene: GUCY2D (guanylate cyclase 2D, retinal; plus strand). Cytogenetic location: 17p13.1.
Variant type: single nucleotide variant.
Coding change: c.1920G>C on transcript NM_000180.4 (MANE Select); coding-DNA position 1920, G replaced by C.
Protein change: p.Trp640Cys; replaces tryptophan 640 with cysteine.
Molecular consequence: missense variant.
Genome position (GRCh38, 1-based): chr17:8,012,314, G>C. VCF-style: chr17-8012314-G-C. GRCh37 (hg19) VCF-style: chr17-7915632-G-C.
Other names: short protein forms W640C.
Identifiers: ClinVar variation 3370022 (VCV003370022.1).
Genomic context (GRCh38, chr17:8,012,314, plus strand): 5'-GCACTGCACGCGGGGCTCTCTTCAGGACCTCCTCGCTCAGAGAGAAATAAAGCTGGACTG[G>C]ATGTTCAAGTCCTCCCTCCTGCTGGACCTTATCAAGGTGTGTGTCTGGGGGTGGTGGGGT-3'
Protein context (NP_000171.1, residues 630-650): LLAQREIKLD[Trp640Cys]MFKSSLLLDL